The following is an entry in ClinVar:

NM_001370259.2(MEN1):c.-10G>T

Gene: MEN1 (menin 1; minus strand). Cytogenetic location: 11q13.1.
Variant type: single nucleotide variant.
Coding change: c.-10G>T on transcript NM_001370259.2 (MANE Select); 10 bases upstream of the start codon, G replaced by T.
Molecular consequence: 5 prime UTR variant. On other transcripts: non-coding transcript variant (4).
Genome position (GRCh38, 1-based): chr11:64,810,119, C>A on the plus strand (G>T on the coding strand, the complement: MEN1 is on the minus strand). VCF-style: chr11-64810119-C-A. GRCh37 (hg19) VCF-style: chr11-64577591-C-A.
Other names: c.-10G>T (NM_001407143.1, NM_001407144.1, NM_001407145.1 and 20 more transcripts).
Identifiers: ClinVar variation 4756394 (VCV004756394.1).

ClinVar aggregate classification (germline): Uncertain significance (1 of 4 stars; one submission).

Conditions:
Multiple endocrine neoplasia, type 1 (MEN1). Also called: Endocrine adenomatosis multiple; MEN 1; MEA I; MEN I; WERMER SYNDROME. Identifiers: Orphanet 652, MedGen C0025267, MeSH D018761, MONDO:0007540, OMIM 131100.

gnomAD v4.1: 1 of 637,622 alleles (0.00016%); highest among the groups gnomAD compares: Non-Finnish European, 0.00022%; no homozygotes.

Submission:

Color Diagnostics, LLC DBA Color Health
Classification: Uncertain significance for Multiple endocrine neoplasia, type 1. Last evaluated: 2025-09-14. Review status: criteria provided, single submitter. Criteria: ACMG Guidelines, 2015. Collection method: clinical testing. Allele origin: germline.
Comment: This variant is located in the 5' untranslated region of the MEN1 gene. To our knowledge, functional studies have not been reported for this variant. This variant has not been reported in individuals affected with MEN1-related disorders in the literature. This variant has not been identified in the general population by the Genome Aggregation Database (gnomAD). The available evidence is insufficient to determine the role of this variant in disease conclusively. Therefore, this variant is classified as a Variant of Uncertain Significance.